The following is an entry in ClinVar:

NM_016239.4(MYO15A):c.4198G>A (p.Val1400Met)

Gene: MYO15A (myosin XVA; plus strand). Cytogenetic location: 17p11.2.
Variant type: single nucleotide variant.
Coding change: c.4198G>A on transcript NM_016239.4 (MANE Select); coding-DNA position 4198, G replaced by A.
Protein change: p.Val1400Met; replaces valine 1400 with methionine.
Molecular consequence: missense variant.
Genome position (GRCh38, 1-based): chr17:18,131,523, G>A. VCF-style: chr17-18131523-G-A. GRCh37 (hg19) VCF-style: chr17-18034837-G-A.
Other names: NM_016239.4(MYO15A):c.4198G>A; short protein forms V1400M.
Identifiers: ClinVar variation 632271 (VCV000632271.47), dbSNP rs749136456, ClinGen allele CA8423796.

ClinVar aggregate classification (germline): Pathogenic. Review status: reviewed by expert panel (3 of 4 stars). 11 submissions from 11 submitters: Pathogenic (1). 10 of the submissions do not count toward it. Last evaluated 2021-07-27.

Conditions:
Rare genetic deafness. Identifiers: Orphanet 96210, MedGen C5680250.
MYO15A-related disorder. Also called: MYO15A-related condition.
Nonsyndromic genetic hearing loss. Also called: Nonsyndromic hearing loss and deafness; Nonsyndromic genetic deafness; Non-syndromic genetic deafness. Identifiers: Orphanet 87884, MedGen C5680182, MONDO:0019497.
Autosomal recessive nonsyndromic hearing loss 3. Also called: NEUROSENSORY NONSYNDROMIC RECESSIVE DEAFNESS 3. Identifiers: Orphanet 90636, MedGen C1838263, MONDO:0010860, OMIM 600316.

Allele frequency attached by ClinVar (database versions not stated): TOPMed 0.00002; gnomAD 0.00006.
gnomAD v4.1: 39 of 1,613,814 alleles (0.0024%); highest among the groups gnomAD compares: Admixed American, 0.013%; no homozygotes.

Submissions (11):

ClinGen Hearing Loss Variant Curation Expert Panel
Classification: Pathogenic for Nonsyndromic genetic hearing loss. Last evaluated: 2021-07-27. Review status: reviewed by expert panel. Criteria: clingen hl acmg specifications otof myo15a v1. Collection method: curation. Allele origin: germline. Inheritance: Autosomal recessive inheritance.
Comment: The allele frequency of the c.4198G>A (p.Val1400Met) variant in the MYO15A gene is 0.01980% (7/35356) of African/African-American chromosomes by gnomAD. This variant has been reported to segregate with hearing loss in at least 3 separate families (PP1_Strong; PMIDs: 27870113, 20642360; Partners LMM internal data SCV000966848.2). This variant has been detected in 10 probands with nonsyndromic hearing loss. For 2 of those probands, a pathogenic or suspected-pathogenic variant was observed in trans, in 1 a rare variant of unknown significance was observed in trans, and in 7 the variant was observed in the homozygous state (PM3_Strong; PMIDs: 27870113, 20642360; Partners LMM internal data SCV000966848.2). Additionally, the REVEL computational prediction analysis tool produced a score of 0.891, which is above the threshold necessary to apply PP3. In summary, this variant meets criteria to be classified as pathogenic for autosomal recessive nonsyndromic hearing loss based on the ACMG/AMP criteria applied, as specified by the Hearing Loss Expert Panel: PP1_Strong, PM3_Strong, PP3.

PreventionGenetics, part of Exact Sciences
Classification: Likely pathogenic for MYO15A-related condition. Last evaluated: 2026-02-16. Review status: criteria provided, single submitter. Criteria: ACMG Guidelines, 2015. Collection method: clinical testing. Allele origin: germline. Not counted in ClinVar's aggregate classification.
Comment: The MYO15A c.4198G>A variant is predicted to result in the amino acid substitution p.Val1400Met. This variant was reported in the homozygous and compound heterozygous state in multiple individuals with non-syndromic sensorineural hearing loss (Cengiz et al. 2010. PubMed ID: 20642360; Manzoli et al. 2016. PubMed ID: 27870113; Hirsch et al. 2021. PubMed ID: 33398081; Fu et al. 2022. PubMed ID: 35346193). This variant is reported in 0.020% of alleles in individuals of Latino descent in gnomAD. This variant is interpreted as likely pathogenic.

GeneDx
Classification: Pathogenic. Last evaluated: 2025-07-30. Review status: criteria provided, single submitter. Criteria: GeneDx Variant Classification Process June 2021. Collection method: clinical testing. Allele origin: germline. Affected: yes. Not counted in ClinVar's aggregate classification.
Comment: In silico analysis supports that this missense variant has a deleterious effect on protein structure/function; This variant is associated with the following publications: (PMID: 26242193, 27375115, 34652575, 20642360, 27870113, 33398081, 35346193)

Dasa
Classification: Pathogenic. Last evaluated: 2025-07-14. Review status: criteria provided, single submitter. Criteria: DASA Assertion Criteria. Collection method: clinical testing. Allele origin: germline. Not counted in ClinVar's aggregate classification.
Comment: NM_016239.4(MYO15A):c.4198G>A (p.Val1400Met) is a missense variant that results in the substitution of valine with methionine. Segregation evidence has been reported in affected families. This variant has been recurrently observed in affected individuals with related phenotype in a genotype context consistent with recessive disease (PMID: 20642360; PMID: 27870113; PMID: 33398081; PMID: 35346193). Multiple computational predictions support a deleterious effect on the gene or gene product. The variant is present at low frequency in population datasets. Based on the available data, this variant is classified as pathogenic.

Labcorp Genetics (formerly Invitae), Labcorp
Classification: Pathogenic. Last evaluated: 2024-02-06. Review status: criteria provided, single submitter. Criteria: Invitae Variant Classification Sherloc (09022015). Collection method: clinical testing. Allele origin: germline. Not counted in ClinVar's aggregate classification.
Comment: This sequence change replaces valine, which is neutral and non-polar, with methionine, which is neutral and non-polar, at codon 1400 of the MYO15A protein (p.Val1400Met). This variant is present in population databases (rs749136456, gnomAD 0.02%). This missense change has been observed in individual(s) with deafness (PMID: 20642360, 27870113, 33398081, 35346193). In at least one individual the data is consistent with being in trans (on the opposite chromosome) from a pathogenic variant. It has also been observed to segregate with disease in related individuals. ClinVar contains an entry for this variant (Variation ID: 632271). Advanced modeling of protein sequence and biophysical properties (such as structural, functional, and spatial information, amino acid conservation, physicochemical variation, residue mobility, and thermodynamic stability) has been performed at Invitae for this missense variant, however the output from this modeling did not meet the statistical confidence thresholds required to predict the impact of this variant on MYO15A protein function. For these reasons, this variant has been classified as Pathogenic.

Laboratory for Molecular Medicine, Mass General Brigham Personalized Medicine
Classification: Pathogenic for Rare genetic deafness. Last evaluated: 2023-06-20. Review status: criteria provided, single submitter. Criteria: ACMG Guidelines, 2015. Collection method: clinical testing. Allele origin: germline. Inheritance: Autosomal recessive inheritance. Not counted in ClinVar's aggregate classification.
Comment: The p.Val1400Met variant in MYO15A has been reported in 12 probands with sensorineural hearing loss, including 7 homozygous individuals, 3 individuals who were compound heterozygous for a variant of uncertain significance, 1 individual with a second likely pathogenic variant and 1 individual who was confirmed to have a nonsense variant present in trans (Cengiz 2010 PMID: 20642360, Manzoli 2016 PMID: 27870113, Fu 2022 PMID: 35346193, LMM unpublished data). Furthermore, the variant segregated with hearing loss in 12 affected members of 7 families, including 2 compound heterozygous individuals (Cengiz 2010 PMID: 20642360, Manzoli 2016 PMID: 27870113, LMM unpublished data). This variant has also been identified in 0.02% (1/4818) of South Asian and 0.0066% (1/15266) Latino chromosomes by gnomAD (v.3.1.2); however, this frequency is low enough to be consistent with a recessive carrier frequency. This variant was classified as Pathogenic on July 27, 2021 by the ClinGen-approved Hearing Loss Variant Curation expert panel (Variation ID 632271). Computational prediction tools and conservation analysis suggest that this variant may impact the protein, though this information is not predictive enough to determine pathogenicity on its own. In summary, this variant meets criteria to be classified as pathogenic for autosomal recessive hearing loss. ACMG/AMP Criteria applied: PP1_Strong, PM3_Strong, PP3, PM2_Supporting.

Fulgent Genetics
Classification: Likely pathogenic for Autosomal recessive nonsyndromic hearing loss 3. Last evaluated: 2022-02-17. Review status: criteria provided, single submitter. Criteria: ACMG Guidelines, 2015. Collection method: clinical testing. Allele origin: unknown. Not counted in ClinVar's aggregate classification.

Revvity Omics, Revvity
Classification: Likely pathogenic for Autosomal recessive nonsyndromic hearing loss 3. Last evaluated: 2019-12-10. Review status: criteria provided, single submitter. Criteria: ACMG Guidelines, 2015. Collection method: clinical testing. Allele origin: germline. Not counted in ClinVar's aggregate classification.

Illumina Laboratory Services, Illumina
Classification: Pathogenic for Autosomal recessive nonsyndromic hearing loss 3. Last evaluated: 2018-10-10. Review status: criteria provided, single submitter. Criteria: ICSL Variant Classification Criteria 09 May 2019. Collection method: clinical testing. Allele origin: germline. Not counted in ClinVar's aggregate classification.
Comment: The MYO15A c.4198G>A (p.Val1400Met) variant has been reported in two studies and is found in a total of 39 probands with hearing loss, including 27 probands with hearing loss from seven families of Turkish or Brazilian origin who carried the variant in a homozygous state and 12 probands from two Brazilian families who carried the variant in a compound heterozygous state with a second missense variant (Cengiz et al. 2010; Manzoli et al. 2016). Segregation analysis in one Turkish family showed both affected siblings to be homozygous for the p.Val1400Met variant, while an unaffected sibling and both unaffected parents were heterozygous. The p.Val1400Met variant was found in a heterozygous state in one of 20 controls and is reported at a frequency of 0.00020 in the Latino population of the Genome Aggregation Database. Based on the evidence, the p.Val1400Met variant is classified as pathogenic for the recessive form of nonsyndromic hearing loss. This variant was observed by ICSL as part of a predisposition screen in an ostensibly healthy population.

Juno Genomics, Hangzhou Juno Genomics, Inc
Classification: Pathogenic for Autosomal recessive nonsyndromic hearing loss 3. Review status: criteria provided, single submitter. Criteria: ACMG Guidelines, 2015. Collection method: clinical testing. Allele origin: germline. Not counted in ClinVar's aggregate classification.
Comment: Absent from controls (or at extremely low frequency if recessive) in Genome Aggregation Database.;Multiple lines of computational evidence support a deleterious effect on the gene or gene product.;For recessive disorders, detected in trans with a pathogenic variant.;Co-segregation with disease in multiple affected family members.

Molecular Diagnosis Center for Deafness
Classification: Pathogenic for Autosomal recessive nonsyndromic hearing loss 3. Review status: criteria provided, single submitter. Criteria: ClinGen HL ACMG Specifications v1. Collection method: clinical testing. Allele origin: maternal. Observed: 1 variant allele. Not counted in ClinVar's aggregate classification.

Literature cited by the submitters: PubMed 20642360 (cited by 4 submitters); PubMed 27870113 (cited by 4 submitters); PubMed 33398081 (cited by Dasa and Labcorp Genetics (formerly Invitae), Labcorp); PubMed 35346193 (cited by 3 submitters).